The following is an entry in ClinVar:

NM_032634.4(PIGO):c.710G>T (p.Cys237Phe)

Gene: PIGO (phosphatidylinositol glycan anchor biosynthesis class O; minus strand). Cytogenetic location: 9p13.3.
Variant type: single nucleotide variant.
Coding change: c.710G>T on transcript NM_032634.4 (MANE Select); coding-DNA position 710, G replaced by T.
Protein change: p.Cys237Phe; replaces cysteine 237 with phenylalanine.
Molecular consequence: missense variant.
Genome position (GRCh38, 1-based): chr9:35,093,970, C>A on the plus strand (G>T on the coding strand, the complement: PIGO is on the minus strand). VCF-style: chr9-35093970-C-A. GRCh37 (hg19) VCF-style: chr9-35093967-C-A.
Other names: c.710G>T, p.Cys237Phe (NM_001201484.2, NM_152850.4); short protein forms C237F.
Identifiers: ClinVar variation 1017975 (VCV001017975.8), dbSNP rs773052205, ClinGen allele CA5040860.

ClinVar aggregate classification (germline): Uncertain significance (1 of 4 stars; one submission).

Conditions:
Hyperphosphatasia with impaired intellectual development syndrome 2. Also called: Hyperphosphatasia with intellectual disability syndrome 2; GLYCOSYLPHOSPHATIDYLINOSITOL BIOSYNTHESIS DEFECT 6. Identifiers: Orphanet 247262, MedGen C3553637, MONDO:0013882, OMIM 614749.

Allele frequency attached by ClinVar (database versions not stated): TOPMed below 0.00001; ExAC 0.00001; gnomAD exomes 0.00002 and 0.00001; gnomAD 0.00001.
gnomAD v4.1: 30 of 1,614,034 alleles (0.0019%); highest among the groups gnomAD compares: Non-Finnish European, 0.0025%; no homozygotes.

Submission:

Labcorp Genetics (formerly Invitae), Labcorp
Classification: Uncertain significance for Hyperphosphatasia with impaired intellectual development syndrome 2. Last evaluated: 2023-07-17. Review status: criteria provided, single submitter. Criteria: Invitae Variant Classification Sherloc (09022015). Collection method: clinical testing. Allele origin: germline.
Comment: In summary, the available evidence is currently insufficient to determine the role of this variant in disease. Therefore, it has been classified as a Variant of Uncertain Significance. Advanced modeling of protein sequence and biophysical properties (such as structural, functional, and spatial information, amino acid conservation, physicochemical variation, residue mobility, and thermodynamic stability) performed at Invitae indicates that this missense variant is expected to disrupt PIGO protein function. ClinVar contains an entry for this variant (Variation ID: 1017975). This variant has not been reported in the literature in individuals affected with PIGO-related conditions. This variant is present in population databases (rs773052205, gnomAD 0.004%). This sequence change replaces cysteine, which is neutral and slightly polar, with phenylalanine, which is neutral and non-polar, at codon 237 of the PIGO protein (p.Cys237Phe).